The following is an entry in ClinVar:

ClinVar aggregate classification (germline): Uncertain significance (1 of 4 stars; one submission).

Conditions:
Gastrointestinal stromal tumor. Also called: Gastrointestinal stromal tumor, somatic; Gastrointestinal stroma tumor. Identifiers: Orphanet 44890, MedGen C0238198, MeSH D046152, MONDO:0011719, OMIM 606764, HP:0100723.

Submission:

Labcorp Genetics (formerly Invitae), Labcorp
Classification: Uncertain significance for Gastrointestinal stromal tumor. Last evaluated: 2024-09-21. Review status: criteria provided, single submitter. Criteria: Invitae Variant Classification Sherloc (09022015). Collection method: clinical testing. Allele origin: germline.
Comment: This variant, c.2336_2341del, is a complex sequence change that results in the deletion of 3 insertion of 1 amino acid(s) in the PDGFRA protein (p.Lys779_Leu781delinsIle). This variant is not present in population databases (gnomAD no frequency). This variant has not been reported in the literature in individuals affected with PDGFRA-related conditions. ClinVar contains an entry for this variant (Variation ID: 1511832). Experimental studies and prediction algorithms are not available or were not evaluated, and the functional significance of this variant is currently unknown. In summary, the available evidence is currently insufficient to determine the role of this variant in disease. Therefore, it has been classified as a Variant of Uncertain Significance.

NM_006206.6(PDGFRA):c.2336_2341del (p.Lys779_Leu781delinsIle)

Gene: PDGFRA (platelet derived growth factor receptor alpha; plus strand). Cytogenetic location: 4q12.
Variant type: Deletion.
Coding change: c.2336_2341del on transcript NM_006206.6 (MANE Select); coding-DNA positions 2336 to 2341, 6 bases deleted (AAAACC; older notation c.2336_2341delAAAACC).
Protein change: p.Lys779_Leu781delinsIle.
Molecular consequence: inframe indel.
Genome position (GRCh38, 1-based): chr4:54,285,383-54,285,388, AAAACC deleted. VCF-style (leftmost placement, unchanged base first): chr4-54285382-AAAAACC-A. GRCh37 (hg19) VCF-style: chr4-55151549-AAAAACC-A.
Other names: c.2411_2416del, p.Lys804_Leu806delinsIle (NM_001347828.2); c.2336_2341del, p.Lys779_Leu781delinsIle (NM_001347829.2); c.2375_2380del, p.Lys792_Leu794delinsIle (NM_001347830.2).
Identifiers: ClinVar variation 1511832 (VCV001511832.8), dbSNP rs2110335440, ClinGen allele CA2573137817.